The following is an entry in ClinVar:

NM_015404.4(WHRN):c.2045G>T (p.Arg682Leu)

Gene: WHRN (whirlin; minus strand). Cytogenetic location: 9q32.
Variant type: single nucleotide variant.
Coding change: c.2045G>T on transcript NM_015404.4 (MANE Select); coding-DNA position 2045, G replaced by T.
Protein change: p.Arg682Leu; replaces arginine 682 with leucine.
Molecular consequence: missense variant.
Genome position (GRCh38, 1-based): chr9:114,406,546, C>A on the plus strand (G>T on the coding strand, the complement: WHRN is on the minus strand). VCF-style: chr9-114406546-C-A. GRCh37 (hg19) VCF-style: chr9-117168826-C-A.
Other names: c.896G>T, p.Arg299Leu (NM_001083885.3); c.2045G>T, p.Arg682Leu (NM_001173425.2); c.992G>T, p.Arg331Leu (NM_001346890.1); short protein forms R331L, R682L, R299L.
Identifiers: ClinVar variation 1955542 (VCV001955542.3), dbSNP rs759899337, ClinGen allele CA5205743.

ClinVar aggregate classification (germline): Uncertain significance. Review status: criteria provided, multiple submitters, no conflicts (2 of 4 stars). 2 submissions from 2 submitters: Uncertain significance (2). Last evaluated 2022-07-27.

gnomAD v4.1: 8 of 1,612,844 alleles (0.0005%); highest among the groups gnomAD compares: Admixed American, 0.012%; no homozygotes.

Submissions (2):

Labcorp Genetics (formerly Invitae), Labcorp
Classification: Uncertain significance. Last evaluated: 2022-07-27. Review status: criteria provided, single submitter. Criteria: Invitae Variant Classification Sherloc (09022015). Collection method: clinical testing. Allele origin: germline.
Comment: This sequence change replaces arginine, which is basic and polar, with leucine, which is neutral and non-polar, at codon 682 of the WHRN protein (p.Arg682Leu). This variant is present in population databases (rs759899337, gnomAD 0.02%). This variant has not been reported in the literature in individuals affected with WHRN-related conditions. Algorithms developed to predict the effect of missense changes on protein structure and function are either unavailable or do not agree on the potential impact of this missense change (SIFT: "Deleterious"; PolyPhen-2: "Possibly Damaging"; Align-GVGD: "Class C0"). In summary, the available evidence is currently insufficient to determine the role of this variant in disease. Therefore, it has been classified as a Variant of Uncertain Significance.

Blueprint Genetics
Classification: Uncertain significance. Last evaluated: 2018-11-04. Review status: criteria provided, single submitter. Criteria: ACMG Guidelines, 2015. Collection method: clinical testing. Allele origin: germline.